The following is an entry in ClinVar:

ClinVar aggregate classification (germline): Pathogenic/Likely pathogenic. Review status: criteria provided, multiple submitters, no conflicts (2 of 4 stars). 2 submissions from 2 submitters: Pathogenic (1); Likely pathogenic (1). Last evaluated 2024-11-05.

Conditions:
Bardet-Biedl syndrome 14 (BBS14). Identifiers: Orphanet 110, MedGen C2673874, MONDO:0014442, OMIM 615991.
Senior-Loken syndrome 6 (SLSN6). Identifiers: Orphanet 3156, MedGen C1857779, MONDO:0012433, OMIM 610189.
Joubert syndrome 5 (JBTS5). Identifiers: Orphanet 2318, MedGen C1857780, MONDO:0012432, OMIM 610188.
Meckel syndrome, type 4 (MKS4). Also called: MECKEL-GRUBER SYNDROME, TYPE 4. Identifiers: Orphanet 564, MedGen C1970161, MONDO:0012626, OMIM 611134.
Leber congenital amaurosis 10 (LCA10). Identifiers: Orphanet 65, MedGen C1857821, MONDO:0012723, OMIM 611755.
Nephronophthisis. Also called: Juvenile Nephronophthisis. Identifiers: Orphanet 655, MedGen C0687120, MONDO:0019005, HP:0000090.
Meckel-Gruber syndrome. Also called: DYSENCEPHALIA SPLANCHNOCYSTICA; GRUBER SYNDROME; Dysencephalia splachnocystica. Identifiers: Orphanet 564, MedGen C0265215, MONDO:0018921.
Joubert syndrome. Also called: CEREBELLOPARENCHYMAL DISORDER IV; JOUBERT-BOLTSHAUSER SYNDROME; Familial aplasia of the vermis. Identifiers: Orphanet 475, MedGen C5979921, MONDO:0018772.

Submissions (2):

Labcorp Genetics (formerly Invitae), Labcorp
Classification: Pathogenic for Joubert syndrome; Meckel-Gruber syndrome; Nephronophthisis. Last evaluated: 2024-11-05. Review status: criteria provided, single submitter. Criteria: Invitae Variant Classification Sherloc (09022015). Collection method: clinical testing. Allele origin: germline.
Comment: This sequence change creates a premature translational stop signal (p.Met1304Lysfs*7) in the CEP290 gene. It is expected to result in an absent or disrupted protein product. Loss-of-function variants in CEP290 are known to be pathogenic (PMID: 16909394, 17345604, 20690115). This variant is not present in population databases (gnomAD no frequency). This variant has not been reported in the literature in individuals affected with CEP290-related conditions. ClinVar contains an entry for this variant (Variation ID: 1896180). For these reasons, this variant has been classified as Pathogenic.

Fulgent Genetics
Classification: Likely pathogenic for Joubert syndrome 5; Senior-Loken syndrome 6; Meckel syndrome, type 4; Leber congenital amaurosis 10; Bardet-Biedl syndrome 14. Last evaluated: 2024-02-22. Review status: criteria provided, single submitter. Criteria: ACMG Guidelines, 2015. Collection method: clinical testing. Allele origin: germline.

Literature cited by the submitters: PubMed 16909394 (cited by Labcorp Genetics (formerly Invitae), Labcorp); PubMed 17345604 (cited by Labcorp Genetics (formerly Invitae), Labcorp); PubMed 20690115 (cited by Labcorp Genetics (formerly Invitae), Labcorp).

NM_025114.4(CEP290):c.3911_3915del (p.Met1304fs)

Gene: CEP290 (centrosomal protein 290; minus strand). Cytogenetic location: 12q21.32.
Variant type: Deletion.
Coding change: c.3911_3915del on transcript NM_025114.4 (MANE Select); coding-DNA positions 3911 to 3915, 5 bases deleted (TGAAA; older notation c.3911_3915delTGAAA).
Protein change: p.Met1304fs; shifts the reading frame from methionine 1304.
Molecular consequence: frameshift variant.
Genome position (GRCh38, 1-based): chr12:88,089,146-88,089,150, TTTCA deleted on the plus strand (TGAAA on the coding strand, the reverse complement: CEP290 is on the minus strand); deleting any 5 consecutive bases within chr12:88,089,146-88,089,154 gives the same sequence; the c. name uses the placement nearest the transcript's 3' end. VCF-style (leftmost placement, unchanged base first): chr12-88089145-TTTTCA-T. GRCh37 (hg19) VCF-style: chr12-88482922-TTTTCA-T.
Other names: short protein forms M1304fs.
Identifiers: ClinVar variation 1896180 (VCV001896180.6), dbSNP rs2500101115, ClinGen allele CA2580086822.
Genomic context (GRCh38, chr12:88,089,145, plus strand): 5'-TTAATTTTAATTCCATCTCCAATGTTTTGTTCTCCATATTTCTATGTTCTTGTTGAGAAT[TTTTCA>T]TTTCTTGCATTATCTTAAGTTTGTCATTTTGTAGTTGAATCATTGTTTTGGAGAACTTTT-3'